The following is an entry in ClinVar:

ClinVar aggregate classification (germline): Uncertain significance (1 of 4 stars; one submission).

Conditions:
Familial acute necrotizing encephalopathy (IIAE3). Also called: ENCEPHALOPATHY, ACUTE, INFECTION-INDUCED, SUSCEPTIBILITY TO, 3; Susceptibility to Acute Necrotizing Encephalopathy 1. Identifiers: Orphanet 88619, MedGen C2675556, MONDO:0011953, OMIM 608033.

Allele frequency attached by ClinVar (database versions not stated): gnomAD 0.00001; gnomAD exomes 0.00001 and 0.00002; TOPMed 0.00001; ExAC 0.00002.
gnomAD v4.1: 31 of 1,597,412 alleles (0.0019%); highest among the groups gnomAD compares: Non-Finnish European, 0.0026%; no homozygotes.

Submission:

Labcorp Genetics (formerly Invitae), Labcorp
Classification: Uncertain significance for Familial acute necrotizing encephalopathy. Last evaluated: 2021-09-02. Review status: criteria provided, single submitter. Criteria: Invitae Variant Classification Sherloc (09022015). Collection method: clinical testing. Allele origin: germline.
Comment: This sequence change replaces alanine with threonine at codon 311 of the RANBP2 protein (p.Ala311Thr). The alanine residue is highly conserved and there is a small physicochemical difference between alanine and threonine. This variant is present in population databases (rs763374992, ExAC 0.003%). This variant has not been reported in the literature in individuals affected with RANBP2-related conditions. Algorithms developed to predict the effect of missense changes on protein structure and function are either unavailable or do not agree on the potential impact of this missense change (SIFT: "Deleterious"; PolyPhen-2: "Benign"; Align-GVGD: "Class C55"). In summary, the available evidence is currently insufficient to determine the role of this variant in disease. Therefore, it has been classified as a Variant of Uncertain Significance.

NM_006267.5(RANBP2):c.931G>A (p.Ala311Thr)

Gene: RANBP2 (RAN binding protein 2; plus strand). Cytogenetic location: 2q13.
Variant type: single nucleotide variant.
Coding change: c.931G>A on transcript NM_006267.5 (MANE Select); coding-DNA position 931, G replaced by A.
Protein change: p.Ala311Thr; replaces alanine 311 with threonine.
Molecular consequence: missense variant.
Genome position (GRCh38, 1-based): chr2:108,740,637, G>A. VCF-style: chr2-108740637-G-A. GRCh37 (hg19) VCF-style: chr2-109357093-G-A.
Other names: short protein forms A311T.
Identifiers: ClinVar variation 938965 (VCV000938965.4), dbSNP rs763374992, ClinGen allele CA1822168.